The following is an entry in ClinVar:

ClinVar aggregate classification (germline): Uncertain significance (1 of 4 stars; one submission).

Conditions:
Inborn genetic diseases. Identifiers: MedGen C0950123, MeSH D030342.

gnomAD v4.1: 7 of 1,613,554 alleles (0.00043%); highest among the groups gnomAD compares: Non-Finnish European, 0.00059%; no homozygotes.

Submission:

Ambry Genetics
Classification: Uncertain significance for Inborn genetic diseases. Last evaluated: 2024-08-10. Review status: criteria provided, single submitter. Criteria: Ambry Variant Classification Scheme 2023. Collection method: clinical testing. Allele origin: germline.
Comment: The p.S1786F variant (also known as c.5357C>T), located in coding exon 37 of the LRRK2 gene, results from a C to T substitution at nucleotide position 5357. The serine at codon 1786 is replaced by phenylalanine, an amino acid with highly dissimilar properties. This amino acid position is conserved. In addition, this alteration is predicted to be deleterious by in silico analysis. Since supporting evidence is limited at this time, the clinical significance of this alteration remains unclear.

NM_198578.4(LRRK2):c.5357C>T (p.Ser1786Phe)

Gene: LRRK2 (leucine rich repeat kinase 2; plus strand). Cytogenetic location: 12q12.
Variant type: single nucleotide variant.
Coding change: c.5357C>T on transcript NM_198578.4 (MANE Select); coding-DNA position 5357, C replaced by T.
Protein change: p.Ser1786Phe; replaces serine 1786 with phenylalanine.
Molecular consequence: missense variant.
Genome position (GRCh38, 1-based): chr12:40,322,358, C>T. VCF-style: chr12-40322358-C-T. GRCh37 (hg19) VCF-style: chr12-40716160-C-T.
Other names: short protein forms S1786F.
Identifiers: ClinVar variation 1747030 (VCV001747030.3), dbSNP rs1239894151, ClinGen allele CA384420583.
Genomic context (GRCh38, chr12:40,322,358, plus strand): 5'-GCTCTGTTTTGAATCATGTAGGCTGTATTCTTTTGGGCCAAGTTGTGGACCACATTGATT[C>T]TCTCATGGAAGAATGGTTTCCTGGGTTGCTGGAGATTGATATTTGTGGTGAAGGAGAAAC-3'
Protein context (NP_940980.4, residues 1776-1796): LLGQVVDHID[Ser1786Phe]LMEEWFPGLL